The following is an entry in ClinVar:

ClinVar aggregate classification (germline): Uncertain significance (0 of 4 stars; one submission).

Conditions:
SYN1-related disorder. Also called: SYN1-related condition; SYN1-Related Disorders.

Submission:

PreventionGenetics, part of Exact Sciences
Classification: Uncertain significance for SYN1-related condition. Last evaluated: 2024-08-14. Review status: no assertion criteria provided. Collection method: clinical testing. Allele origin: germline.
Comment: The SYN1 c.3G>A variant is predicted to disrupt the translation initiation site (Start loss). To our knowledge, this variant has not been reported in the literature or in a large population database, indicating it is rare. No other start-loss variants have been associated with disease in the literature, and an in-frame methionine resides thirteen residues downstream, which could serve as an alternative start codon. Although we suspect that this variant may be pathogenic, at this time, the clinical significance is uncertain due to the absence of conclusive functional and genetic evidence.

NM_006950.3(SYN1):c.3G>A (p.Met1Ile)

Gene: SYN1 (synapsin I; minus strand). Cytogenetic location: Xp11.23.
Variant type: single nucleotide variant.
Coding change: c.3G>A on transcript NM_006950.3 (MANE Select); coding-DNA position 3, G replaced by A.
Protein change: p.Met1Ile; changes the start codon (methionine 1).
Molecular consequence: missense variant, initiator codon variant.
Genome position (GRCh38, 1-based): chrX:47,619,726, C>T on the plus strand (G>A on the coding strand, the complement: SYN1 is on the minus strand). VCF-style: chrX-47619726-C-T. GRCh37 (hg19) VCF-style: chrX-47479125-C-T.
Other names: c.3G>A, p.Met1Ile (NM_133499.2); short protein forms M1I.
Identifiers: ClinVar variation 3347759 (VCV003347759.1).